The following is an entry in ClinVar:

ClinVar aggregate classification (germline): Pathogenic (1 of 4 stars; one submission).

Conditions:
Retinitis pigmentosa (RP). Identifiers: Orphanet 791, MedGen C0035334, MeSH D012174, MONDO:0019200, OMIM 268000. Inheritance: Autosomal dominant, autosomal recessive and X linked inheritance.

Submission:

Lab De Baere, Eye and Developmental Genetics Lab, Ghent University
Classification: Pathogenic for Retinitis pigmentosa. Last evaluated: 2024-10-01. Review status: criteria provided, single submitter. Criteria: ACMG Guidelines, 2015. Collection method: research. Allele origin: inherited. Affected: yes. Observed: 1 variant allele.
Comment: ACMG/AMP guidelines: PM2, PVS1, PM3_1

NM_001142800.2(EYS):c.6191+1G>C

Gene: EYS (EGF-like photoreceptor maintenance factor; minus strand). Cytogenetic location: 6q12.
Variant type: single nucleotide variant.
Coding change: c.6191+1G>C on transcript NM_001142800.2 (MANE Select); the canonical splice donor site of the intron after coding-DNA position 6191, G replaced by C.
Molecular consequence: splice donor variant.
Genome position (GRCh38, 1-based): chr6:64,306,969, C>G on the plus strand (G>C on the coding strand, the complement: EYS is on the minus strand). VCF-style: chr6-64306969-C-G. GRCh37 (hg19) VCF-style: chr6-65016862-C-G.
Other names: c.6191+1G>C (NM_001292009.2).
Identifiers: ClinVar variation 3544449 (VCV003544449.1).